The following is an entry in ClinVar:

ClinVar aggregate classification (germline): Likely benign. Review status: criteria provided, single submitter (1 of 4 stars). 2 submissions from 2 submitters: Likely benign (1). 1 of the submissions does not count toward it. Last evaluated 2024-04-19.

Conditions:
KANK2-related disorder. Also called: KANK2-related condition.

Allele frequency attached by ClinVar (database versions not stated): ESP Exome Variant Server 0.00008; ExAC 0.00012; gnomAD exomes 0.00018; gnomAD 0.00023 and 0.00024; 1000 Genomes Project 30x 0.00047; 1000 Genomes Project 0.00060.
gnomAD v4.1: 306 of 1,585,984 alleles (0.019%); highest among the groups gnomAD compares: Admixed American, 0.047%; no homozygotes.

Submissions (2):

Labcorp Genetics (formerly Invitae), Labcorp
Classification: Likely benign. Last evaluated: 2024-04-19. Review status: criteria provided, single submitter. Criteria: Invitae Variant Classification Sherloc (09022015). Collection method: clinical testing. Allele origin: germline.

PreventionGenetics, part of Exact Sciences
Classification: Likely benign for KANK2-related condition. Last evaluated: 2019-02-27. Review status: no assertion criteria provided. Collection method: clinical testing. Allele origin: germline. Not counted in ClinVar's aggregate classification.
Comment: This variant is classified as likely benign based on ACMG/AMP sequence variant interpretation guidelines (Richards et al. 2015 PMID: 25741868, with internal and published modifications).

NM_001136191.3(KANK2):c.1249+10C>T

Gene: KANK2 (KN motif and ankyrin repeat domains 2; minus strand). Cytogenetic location: 19p13.2.
Variant type: single nucleotide variant.
Coding change: c.1249+10C>T on transcript NM_001136191.3 (MANE Select); 10 bases into the intron after coding-DNA position 1249, C replaced by T.
Molecular consequence: intron variant.
Genome position (GRCh38, 1-based): chr19:11,192,821, G>A on the plus strand (C>T on the coding strand, the complement: KANK2 is on the minus strand). VCF-style: chr19-11192821-G-A. GRCh37 (hg19) VCF-style: chr19-11303497-G-A.
Other names: c.1249+10C>T (NM_001379552.1, NM_001379553.1, NM_001379562.1 and 16 more transcripts).
Identifiers: ClinVar variation 1589638 (VCV001589638.10), dbSNP rs183298827, ClinGen allele CA9205862.
Genomic context (GRCh38, chr19:11,192,821, plus strand): 5'-GATGAGCCATGGGAAGAAAGAGGCCCCCCCCCCCCAAGCCATTCTCCCCTGCCTGCCTGC[G>A]ACCGCTTACCTGCTGCTCCATCGCAGCTTCGCTCTGTGATGCTAATCTTCTTCACCATAT-3'